The following is an entry in ClinVar:

ClinVar aggregate classification (germline): Likely pathogenic (1 of 4 stars; one submission).

Conditions:
Polycystic kidney disease 4 (PKD4). Also called: POLYCYSTIC KIDNEY AND HEPATIC DISEASE 1; POLYCYSTIC KIDNEY DISEASE, INFANTILE, TYPE I; POLYCYSTIC KIDNEY DISEASE 4 WITH OR WITHOUT POLYCYSTIC LIVER DISEASE; PKD3; Autosomal Recessive Polycystic Kidney Disease – PKHD1. Identifiers: MedGen C4540575, MONDO:0033004, OMIM 263200.

Submission:

Myriad Genetics, Inc.
Classification: Likely pathogenic for Polycystic kidney disease 4. Last evaluated: 2022-02-19. Review status: criteria provided, single submitter. Criteria: Myriad Women's Health Autosomal Recessive and X-Linked Classification Criteria (2021). Collection method: clinical testing. Allele origin: unknown.
Comment: NM_138694.3(PKHD1):c.7512_7522del11(Q2504Hfs*76) is expected to be pathogenic in the context of autosomal recessive polycystic kidney disease, PKHD1-related. This variant is predicted to lead to an abnormal or absent protein product due to the creation of a premature termination codon in PKHD1, a gene where loss-of-function variants are known to be pathogenic. Please note: this variant was assessed in the context of healthy population screening.

NM_138694.4(PKHD1):c.7512_7522del (p.Gln2504fs)

Gene: PKHD1 (PKHD1 ciliary IPT domain containing fibrocystin/polyductin; minus strand). Cytogenetic location: 6p12.2.
Variant type: Deletion.
Coding change: c.7512_7522del on transcript NM_138694.4 (MANE Select); coding-DNA positions 7512 to 7522, 11 bases deleted (GTTGAAGTTTA).
Protein change: p.Gln2504fs; shifts the reading frame from glutamine 2504.
Molecular consequence: frameshift variant.
Genome position (GRCh38, 1-based): chr6:51,868,074-51,868,084, TAAACTTCAAC deleted on the plus strand (GTTGAAGTTTA on the coding strand, the reverse complement: PKHD1 is on the minus strand); deleting any 11 consecutive bases within chr6:51,868,074-51,868,085 gives the same sequence; the c. name uses the placement nearest the transcript's 3' end. VCF-style (leftmost placement, unchanged base first): chr6-51868073-GTAAACTTCAAC-G. GRCh37 (hg19) VCF-style: chr6-51732871-GTAAACTTCAAC-G.
Other names: c.7512_7522del, p.Gln2504fs (NM_170724.3); short protein forms Q2504fs.
Identifiers: ClinVar variation 1724569 (VCV001724569.2), dbSNP rs2535979432, ClinGen allele CA2580075486.